The following is an entry in ClinVar:

NM_015507.4(EGFL6):c.60C>T (p.Phe20=)

Gene: EGFL6 (EGF like domain multiple 6; plus strand). Cytogenetic location: Xp22.2.
Variant type: single nucleotide variant.
Coding change: c.60C>T on transcript NM_015507.4 (MANE Select); coding-DNA position 60, C replaced by T.
Protein change: p.Phe20=; no amino-acid change (phenylalanine 20 retained).
Molecular consequence: synonymous variant.
Genome position (GRCh38, 1-based): chrX:13,569,921, C>T. VCF-style: chrX-13569921-C-T. GRCh37 (hg19) VCF-style: chrX-13588040-C-T.
Other names: c.60C>T, p.Phe20= (NM_001167890.2).
Identifiers: ClinVar variation 2660024 (VCV002660024.24), dbSNP rs1467117510, ClinGen allele CA515537508.

ClinVar aggregate classification (germline): Likely benign (1 of 4 stars; one submission).

Allele frequency attached by ClinVar (database versions not stated): gnomAD 0.00001; gnomAD exomes 0.00001; TOPMed 0.00001.
gnomAD v4.1: 7 of 1,210,303 alleles (0.00058%); highest among the groups gnomAD compares: South Asian, 0.012%; no homozygotes.

Submission:

CeGaT Center for Human Genetics Tuebingen
Classification: Likely benign. Last evaluated: 2023-03-01. Review status: criteria provided, single submitter. Criteria: CeGaT Center For Human Genetics Tuebingen Variant Classification Criteria Version 2. Collection method: clinical testing. Allele origin: germline. Affected: yes. Observed: 1 variant allele.
Comment: EGFL6: BP4, BP7